The following is an entry in ClinVar:

ClinVar aggregate classification (germline): Benign (1 of 4 stars; one submission).

Conditions:
Hemochromatosis type 5. Also called: Iron overload, autosomal dominant. Identifiers: Orphanet 247790, MedGen C1851316, MONDO:0014225, OMIM 615517.

Allele frequency attached by ClinVar (database versions not stated): TOPMed 0.00001; gnomAD exomes 0.00002 and below 0.00001; ExAC 0.00002.

Submission:

Illumina Laboratory Services, Illumina
Classification: Benign for Hemochromatosis type 5. Last evaluated: 2018-01-13. Review status: criteria provided, single submitter. Criteria: ICSL Variant Classification Criteria 13 December 2019. Collection method: clinical testing. Allele origin: germline.
Comment: This variant was observed in the ICSL laboratory as part of a predisposition screen in an ostensibly healthy population. It had not been previously curated by ICSL or reported in the Human Gene Mutation Database (HGMD: prior to June 1st, 2018), and was therefore a candidate for classification through an automated scoring system. Utilizing variant allele frequency, disease prevalence and penetrance estimates, and inheritance mode, an automated score was calculated to assess if this variant is too frequent to cause the disease. Based on the score and internal cut-off values, a variant classified as benign is not then subjected to further curation. The score for this variant resulted in a classification of benign for this disease.

NM_002032.3(FTH1):c.388-5T>C

Genes: FTH1 (ferritin heavy chain 1; minus strand), BEST1 (bestrophin 1; plus strand). Cytogenetic location: 11q12.3.
Variant type: single nucleotide variant.
Coding change: c.388-5T>C on transcript NM_002032.3 (MANE Select); 5 bases into the intron before coding-DNA position 388, T replaced by C.
Molecular consequence: intron variant.
Genome position (GRCh38, 1-based): chr11:61,964,896, A>G on the plus strand (T>C on the coding strand, the complement: FTH1 is on the minus strand). VCF-style: chr11-61964896-A-G. GRCh37 (hg19) VCF-style: chr11-61732368-A-G.
Identifiers: ClinVar variation 305142 (VCV000305142.8), dbSNP rs753621558, ClinGen allele CA6041235.